The following is an entry in ClinVar:

ClinVar aggregate classification (germline): Uncertain significance. Review status: criteria provided, multiple submitters, no conflicts (2 of 4 stars). 2 submissions from 2 submitters: Uncertain significance (2). Last evaluated 2024-10-21.

Allele frequency attached by ClinVar (database versions not stated): gnomAD exomes below 0.00001; TOPMed below 0.00001.
gnomAD v4.1: 3 of 1,614,126 alleles (0.00019%); highest among the groups gnomAD compares: Non-Finnish European, 0.00017%; no homozygotes.

Submissions (2):

Blueprint Genetics
Classification: Uncertain significance. Last evaluated: 2024-10-21. Review status: criteria provided, single submitter. Criteria: ACMG Guidelines, 2015. Collection method: clinical testing. Allele origin: germline.

Labcorp Genetics (formerly Invitae), Labcorp
Classification: Uncertain significance. Last evaluated: 2022-07-19. Review status: criteria provided, single submitter. Criteria: Invitae Variant Classification Sherloc (09022015). Collection method: clinical testing. Allele origin: germline.
Comment: This variant is not present in population databases (gnomAD no frequency). In summary, the available evidence is currently insufficient to determine the role of this variant in disease. Therefore, it has been classified as a Variant of Uncertain Significance. Algorithms developed to predict the effect of missense changes on protein structure and function are either unavailable or do not agree on the potential impact of this missense change (SIFT: "Deleterious"; PolyPhen-2: "Benign"; Align-GVGD: "Class C0"). ClinVar contains an entry for this variant (Variation ID: 955255). This variant has not been reported in the literature in individuals affected with DHX38-related conditions. This sequence change replaces alanine, which is neutral and non-polar, with glycine, which is neutral and non-polar, at codon 892 of the DHX38 protein (p.Ala892Gly).

NM_014003.4(DHX38):c.2675C>G (p.Ala892Gly)

Gene: DHX38 (DEAH-box helicase 38; plus strand). Cytogenetic location: 16q22.2.
Variant type: single nucleotide variant.
Coding change: c.2675C>G on transcript NM_014003.4 (MANE Select); coding-DNA position 2675, C replaced by G.
Protein change: p.Ala892Gly; replaces alanine 892 with glycine.
Molecular consequence: missense variant.
Genome position (GRCh38, 1-based): chr16:72,107,414, C>G. VCF-style: chr16-72107414-C-G. GRCh37 (hg19) VCF-style: chr16-72141313-C-G.
Other names: short protein forms A892G.
Identifiers: ClinVar variation 955255 (VCV000955255.10), dbSNP rs2042193485, ClinGen allele CA396713868.